The following is an entry in ClinVar:

NM_015076.5(CDK19):c.386A>C (p.Lys129Thr)

Gene: CDK19 (cyclin dependent kinase 19; minus strand). Cytogenetic location: 6q21.
Variant type: single nucleotide variant.
Coding change: c.386A>C on transcript NM_015076.5 (MANE Select); coding-DNA position 386, A replaced by C.
Protein change: p.Lys129Thr; replaces lysine 129 with threonine.
Molecular consequence: missense variant.
Genome position (GRCh38, 1-based): chr6:110,667,504, T>G on the plus strand (A>C on the coding strand, the complement: CDK19 is on the minus strand). VCF-style: chr6-110667504-T-G. GRCh37 (hg19) VCF-style: chr6-110988707-T-G.
Other names: c.386A>C, p.Lys129Thr (NM_001300960.2); c.206A>C, p.Lys69Thr (NM_001300963.2, NM_001300964.2); short protein forms K129T, K69T.
Identifiers: ClinVar variation 2505681 (VCV002505681.1), dbSNP rs2535590742, ClinGen allele CA365353941.

ClinVar aggregate classification (germline): Uncertain significance (1 of 4 stars; one submission).

Submission:

GeneDx
Classification: Uncertain significance. Last evaluated: 2022-12-19. Review status: criteria provided, single submitter. Criteria: GeneDx Variant Classification Process June 2021. Collection method: clinical testing. Allele origin: germline. Affected: yes.
Comment: Not observed at significant frequency in large population cohorts (gnomAD); In silico analysis supports that this missense variant has a deleterious effect on protein structure/function; Has not been previously published as pathogenic or benign to our knowledge